The following is an entry in ClinVar:

NM_004655.4(AXIN2):c.486G>A (p.Lys162=)

Gene: AXIN2 (axin 2; minus strand). Cytogenetic location: 17q24.1.
Variant type: single nucleotide variant.
Coding change: c.486G>A on transcript NM_004655.4 (MANE Select); coding-DNA position 486, G replaced by A.
Protein change: p.Lys162=; no amino-acid change (lysine 162 retained).
Molecular consequence: synonymous variant.
Genome position (GRCh38, 1-based): chr17:65,558,135, C>T on the plus strand (G>A on the coding strand, the complement: AXIN2 is on the minus strand). VCF-style: chr17-65558135-C-T. GRCh37 (hg19) VCF-style: chr17-63554253-C-T.
Other names: c.486G>A (LRG_296t1); c.486G>A, p.Lys162= (NM_001363813.1).
Identifiers: ClinVar variation 464625 (VCV000464625.14), dbSNP rs1555583428, ClinGen allele CA501691692.

ClinVar aggregate classification (germline): Benign/Likely benign. Review status: criteria provided, multiple submitters, no conflicts (2 of 4 stars). 4 submissions from 4 submitters: Benign (1); Likely benign (2). 1 of the submissions does not count toward it. Last evaluated 2025-07-21.

Conditions:
Hereditary cancer-predisposing syndrome. Also called: Neoplastic Syndromes, Hereditary; Tumor predisposition; Hereditary Cancer Syndrome; Hereditary neoplastic syndrome. Identifiers: Orphanet 140162, MedGen C0027672, MeSH D009386, MONDO:0015356.
Oligodontia-cancer predisposition syndrome. Also called: TOOTH AGENESIS-COLORECTAL CANCER SYNDROME. Identifiers: Orphanet 300576, MedGen C1837750, MONDO:0012075, OMIM 608615. Disease mechanism: loss of function.
AXIN2-related disorder.

Allele frequency attached by ClinVar (database versions not stated): gnomAD exomes below 0.00001.
gnomAD v4.1: 4 of 1,614,186 alleles (0.00025%); highest among the groups gnomAD compares: African/African-American, 0.0027%; 1 homozygote.

Submissions (4):

Labcorp Genetics (formerly Invitae), Labcorp
Classification: Likely benign for Oligodontia-cancer predisposition syndrome. Last evaluated: 2025-07-21. Review status: criteria provided, single submitter. Criteria: Invitae Variant Classification Sherloc (09022015). Collection method: clinical testing. Allele origin: germline.

Myriad Genetics, Inc.
Classification: Benign for Oligodontia-cancer predisposition syndrome. Last evaluated: 2024-06-26. Review status: criteria provided, single submitter. Criteria: Myriad Autosomal Dominant, Autosomal Recessive and X-Linked Classification Criteria (2023). Collection method: clinical testing. Allele origin: unknown.
Comment: This variant is considered benign. This variant is a silent/synonymous amino acid change and it is not expected to impact splicing.

Ambry Genetics
Classification: Likely benign for Hereditary cancer-predisposing syndrome. Last evaluated: 2021-03-09. Review status: criteria provided, single submitter. Criteria: Ambry Variant Classification Scheme 2023. Collection method: clinical testing. Allele origin: germline.

PreventionGenetics, part of Exact Sciences
Classification: Likely benign for AXIN2-related condition. Last evaluated: 2024-06-05. Review status: no assertion criteria provided. Collection method: clinical testing. Allele origin: germline. Not counted in ClinVar's aggregate classification.
Comment: This variant is classified as likely benign based on ACMG/AMP sequence variant interpretation guidelines (Richards et al. 2015 PMID: 25741868, with internal and published modifications).